The following is an entry in ClinVar:

NM_016284.5(CNOT1):c.3489G>T (p.Lys1163Asn)

Gene: CNOT1 (CCR4-NOT transcription complex subunit 1; minus strand). Cytogenetic location: 16q21.
Variant type: single nucleotide variant.
Coding change: c.3489G>T on transcript NM_016284.5 (MANE Select); coding-DNA position 3489, G replaced by T.
Protein change: p.Lys1163Asn; replaces lysine 1163 with asparagine.
Molecular consequence: missense variant. On other transcripts: non-coding transcript variant (1).
Genome position (GRCh38, 1-based): chr16:58,549,752, C>A on the plus strand (G>T on the coding strand, the complement: CNOT1 is on the minus strand). VCF-style: chr16-58549752-C-A. GRCh37 (hg19) VCF-style: chr16-58583656-C-A.
Other names: c.3474G>T, p.Lys1158Asn (NM_001265612.2); c.3489G>T, p.Lys1163Asn (NM_206999.3); short protein forms K1158N, K1163N.
Identifiers: ClinVar variation 4681946 (VCV004681946.5).

ClinVar aggregate classification (germline): Uncertain significance (1 of 4 stars; one submission).

Submission:

CeGaT Center for Human Genetics Tuebingen
Classification: Uncertain significance. Last evaluated: 2025-12-01. Review status: criteria provided, single submitter. Criteria: CeGaT Center For Human Genetics Tuebingen Variant Classification Criteria Version 2. Collection method: clinical testing. Allele origin: germline. Affected: yes. Observed: 1 variant allele.
Comment: CNOT1: PM2, PP2